The following is an entry in ClinVar:

ClinVar aggregate classification (germline): Uncertain significance (1 of 4 stars; one submission).

Submission:

Labcorp Genetics (formerly Invitae), Labcorp
Classification: Uncertain significance. Last evaluated: 2023-11-29. Review status: criteria provided, single submitter. Criteria: Invitae Variant Classification Sherloc (09022015). Collection method: clinical testing. Allele origin: germline.
Comment: This sequence change replaces alanine, which is neutral and non-polar, with valine, which is neutral and non-polar, at codon 1896 of the ATR protein (p.Ala1896Val). This variant is not present in population databases (gnomAD no frequency). This variant has not been reported in the literature in individuals affected with ATR-related conditions. An algorithm developed to predict the effect of missense changes on protein structure and function (PolyPhen-2) suggests that this variant is likely to be disruptive. In summary, the available evidence is currently insufficient to determine the role of this variant in disease. Therefore, it has been classified as a Variant of Uncertain Significance.

NM_001184.4(ATR):c.5687C>T (p.Ala1896Val)

Gene: ATR (ATR checkpoint kinase; minus strand). Cytogenetic location: 3q23.
Variant type: single nucleotide variant.
Coding change: c.5687C>T on transcript NM_001184.4 (MANE Select); coding-DNA position 5687, C replaced by T.
Protein change: p.Ala1896Val; replaces alanine 1896 with valine.
Molecular consequence: missense variant.
Genome position (GRCh38, 1-based): chr3:142,497,064, G>A on the plus strand (C>T on the coding strand, the complement: ATR is on the minus strand). VCF-style: chr3-142497064-G-A. GRCh37 (hg19) VCF-style: chr3-142215906-G-A.
Other names: c.5495C>T, p.Ala1832Val (NM_001354579.2); short protein forms A1832V, A1896V.
Identifiers: ClinVar variation 2753243 (VCV002753243.3), dbSNP rs1267037381, ClinGen allele CA354814558.
Genomic context (GRCh38, chr3:142,497,064, plus strand): 5'-GTGAGAAACCTTTTGTTGAGGCTTAGTAAAGCCCTCCGGAGAGCCAGGATAGGCTCCTTG[G>A]CTCTGTAGGAATTCTGGGTCATTTCTAGTCGAGCTACCCAGTTTAGAGAATCTTCTTGAG-3'
Protein context (NP_001175.2, residues 1886-1906): RLEMTQNSYR[Ala1896Val]KEPILALRRA